The following is an entry in ClinVar:

NM_001369.3(DNAH5):c.5266G>T (p.Glu1756Ter)

Gene: DNAH5 (dynein axonemal heavy chain 5; minus strand). Cytogenetic location: 5p15.2.
Variant type: single nucleotide variant.
Coding change: c.5266G>T on transcript NM_001369.3 (MANE Select); coding-DNA position 5266, G replaced by T.
Protein change: p.Glu1756Ter; replaces glutamic acid 1756 with a stop codon.
Molecular consequence: nonsense.
Genome position (GRCh38, 1-based): chr5:13,844,842, C>A on the plus strand (G>T on the coding strand, the complement: DNAH5 is on the minus strand). VCF-style: chr5-13844842-C-A. GRCh37 (hg19) VCF-style: chr5-13844951-C-A.
Other names: short protein forms E1756*.
Identifiers: ClinVar variation 661125 (VCV000661125.7), dbSNP rs116524991, ClinGen allele CA359213557.

ClinVar aggregate classification (germline): Pathogenic (1 of 4 stars; one submission).

Conditions:
Primary ciliary dyskinesia. Also called: Ciliary dyskinesia. Identifiers: Orphanet 244, MedGen C0008780, MONDO:0016575, HP:0012265.

gnomAD v4.1: 1 of 1,614,158 alleles (0.000062%); highest among the groups gnomAD compares: Non-Finnish European, 0.000085%; no homozygotes.

Submission:

Labcorp Genetics (formerly Invitae), Labcorp
Classification: Pathogenic for Primary ciliary dyskinesia. Last evaluated: 2023-04-09. Review status: criteria provided, single submitter. Criteria: Invitae Variant Classification Sherloc (09022015). Collection method: clinical testing. Allele origin: germline.
Comment: For these reasons, this variant has been classified as Pathogenic. ClinVar contains an entry for this variant (Variation ID: 661125). This variant has not been reported in the literature in individuals affected with DNAH5-related conditions. This variant is not present in population databases (gnomAD no frequency). This sequence change creates a premature translational stop signal (p.Glu1756*) in the DNAH5 gene. It is expected to result in an absent or disrupted protein product. Loss-of-function variants in DNAH5 are known to be pathogenic (PMID: 11788826, 16627867).

Literature cited by the submitters: PubMed 11788826; PubMed 16627867.